The following is an entry in ClinVar:

NM_000718.4(CACNA1B):c.1787G>A (p.Arg596Gln)

Gene: CACNA1B (calcium voltage-gated channel subunit alpha1 B; plus strand). Cytogenetic location: 9q34.3.
Variant type: single nucleotide variant.
Coding change: c.1787G>A on transcript NM_000718.4 (MANE Select); coding-DNA position 1787, G replaced by A.
Protein change: p.Arg596Gln; replaces arginine 596 with glutamine.
Molecular consequence: missense variant.
Genome position (GRCh38, 1-based): chr9:137,986,430, G>A. VCF-style: chr9-137986430-G-A. GRCh37 (hg19) VCF-style: chr9-140880882-G-A.
Other names: c.1787G>A, p.Arg596Gln (NM_001243812.2); short protein forms R596Q.
Identifiers: ClinVar variation 1940888 (VCV001940888.3), dbSNP rs1402354374, ClinGen allele CA375807897.

ClinVar aggregate classification (germline): Uncertain significance. Review status: criteria provided, multiple submitters, no conflicts (2 of 4 stars). 2 submissions from 2 submitters: Uncertain significance (2). Last evaluated 2023-10-24.

Allele frequency attached by ClinVar (database versions not stated): gnomAD exomes below 0.00001; TOPMed below 0.00001.

Submissions (2):

Blueprint Genetics
Classification: Uncertain significance. Last evaluated: 2023-10-24. Review status: criteria provided, single submitter. Criteria: ACMG Guidelines, 2015. Collection method: clinical testing. Allele origin: germline.

Labcorp Genetics (formerly Invitae), Labcorp
Classification: Uncertain significance. Last evaluated: 2022-04-16. Review status: criteria provided, single submitter. Criteria: Invitae Variant Classification Sherloc (09022015). Collection method: clinical testing. Allele origin: germline.
Comment: This sequence change replaces arginine, which is basic and polar, with glutamine, which is neutral and polar, at codon 596 of the CACNA1B protein (p.Arg596Gln). This variant is present in population databases (no rsID available, gnomAD 0.01%). This variant has not been reported in the literature in individuals affected with CACNA1B-related conditions. Advanced modeling of protein sequence and biophysical properties (such as structural, functional, and spatial information, amino acid conservation, physicochemical variation, residue mobility, and thermodynamic stability) performed at Invitae indicates that this missense variant is expected to disrupt CACNA1B protein function. In summary, the available evidence is currently insufficient to determine the role of this variant in disease. Therefore, it has been classified as a Variant of Uncertain Significance.